The following is an entry in ClinVar:

ClinVar aggregate classification (germline): Uncertain significance (1 of 4 stars; one submission).

Allele frequency attached by ClinVar (database versions not stated): gnomAD exomes below 0.00001.

Submission:

Labcorp Genetics (formerly Invitae), Labcorp
Classification: Uncertain significance. Last evaluated: 2021-10-09. Review status: criteria provided, single submitter. Criteria: Invitae Variant Classification Sherloc (09022015). Collection method: clinical testing. Allele origin: germline.
Comment: In summary, the available evidence is currently insufficient to determine the role of this variant in disease. Therefore, it has been classified as a Variant of Uncertain Significance. Algorithms developed to predict the effect of missense changes on protein structure and function (SIFT, PolyPhen-2, Align-GVGD) all suggest that this variant is likely to be tolerated. This variant has not been reported in the literature in individuals affected with GLRX5-related conditions. This variant is not present in population databases (ExAC no frequency). This sequence change replaces leucine with phenylalanine at codon 114 of the GLRX5 protein (p.Leu114Phe). The leucine residue is moderately conserved and there is a small physicochemical difference between leucine and phenylalanine.

NM_016417.3(GLRX5):c.340C>T (p.Leu114Phe)

Gene: GLRX5 (glutaredoxin 5; plus strand). Cytogenetic location: 14q32.13.
Variant type: single nucleotide variant.
Coding change: c.340C>T on transcript NM_016417.3 (MANE Select); coding-DNA position 340, C replaced by T.
Protein change: p.Leu114Phe; replaces leucine 114 with phenylalanine.
Molecular consequence: missense variant.
Genome position (GRCh38, 1-based): chr14:95,543,991, C>T. VCF-style: chr14-95543991-C-T. GRCh37 (hg19) VCF-style: chr14-96010328-C-T.
Other names: short protein forms L114F.
Identifiers: ClinVar variation 1509937 (VCV001509937.6), dbSNP rs2139651965, ClinGen allele CA390896834.